The following is an entry in ClinVar:

NM_002907.4(RECQL):c.1147G>A (p.Val383Met)

Gene: RECQL (RecQ like helicase; minus strand). Cytogenetic location: 12p12.1.
Variant type: single nucleotide variant.
Coding change: c.1147G>A on transcript NM_002907.4 (MANE Select); coding-DNA position 1147, G replaced by A.
Protein change: p.Val383Met; replaces valine 383 with methionine.
Molecular consequence: missense variant.
Genome position (GRCh38, 1-based): chr12:21,475,537, C>T on the plus strand (G>A on the coding strand, the complement: RECQL is on the minus strand). VCF-style: chr12-21475537-C-T. GRCh37 (hg19) VCF-style: chr12-21628471-C-T.
Other names: c.1147G>A, p.Val383Met (NM_032941.3); short protein forms V383M.
Identifiers: ClinVar variation 1006531 (VCV001006531.13), dbSNP rs750555750, ClinGen allele CA6478842.

ClinVar aggregate classification (germline): Uncertain significance. Review status: criteria provided, multiple submitters, no conflicts (2 of 4 stars). 3 submissions from 3 submitters: Uncertain significance (3). Last evaluated 2025-12-18.

Allele frequency attached by ClinVar (database versions not stated): gnomAD exomes below 0.00001 and 0.00001; ExAC 0.00001.

Submissions (3):

Labcorp Genetics (formerly Invitae), Labcorp
Classification: Uncertain significance. Last evaluated: 2025-12-18. Review status: criteria provided, single submitter. Criteria: Invitae Variant Classification Sherloc (09022015). Collection method: clinical testing. Allele origin: germline.
Comment: This sequence change replaces valine, which is neutral and non-polar, with methionine, which is neutral and non-polar, at codon 383 of the RECQL protein (p.Val383Met). This variant is present in population databases (rs750555750, gnomAD 0.006%). This variant has not been reported in the literature in individuals affected with RECQL-related conditions. ClinVar contains an entry for this variant (Variation ID: 1006531). Invitae Evidence Modeling of protein sequence and biophysical properties (such as structural, functional, and spatial information, amino acid conservation, physicochemical variation, residue mobility, and thermodynamic stability) indicates that this missense variant is expected to disrupt RECQL protein function with a positive predictive value of 80%. In summary, the available evidence is currently insufficient to determine the role of this variant in disease. Therefore, it has been classified as a Variant of Uncertain Significance.

Ambry Genetics
Classification: Uncertain significance. Last evaluated: 2025-09-10. Review status: criteria provided, single submitter. Criteria: Ambry Variant Classification Scheme 2023. Collection method: clinical testing. Allele origin: germline.
Comment: The p.V383M variant (also known as c.1147G>A), located in coding exon 9 of the RECQL gene, results from a G to A substitution at nucleotide position 1147. The valine at codon 383 is replaced by methionine, an amino acid with highly similar properties. This amino acid position is conserved. In addition, this alteration is predicted to be deleterious by in silico analysis. Since supporting evidence is limited at this time, the clinical significance of this alteration remains unclear.

Quest Diagnostics Nichols Institute San Juan Capistrano
Classification: Uncertain significance. Last evaluated: 2023-11-15. Review status: criteria provided, single submitter. Criteria: Quest Diagnostics criteria. Collection method: clinical testing. Allele origin: unknown.
Comment: The RECQL c.1147G>A (p.Val383Met) variant has not been reported in individuals with RECQL-related conditions in the published literature. The frequency of this variant in the general population, 0.000008 (2/250696 chromosomes (Genome Aggregation Database)), is uninformative in the assessment of its pathogenicity. Analysis of this variant using bioinformatics tools for the prediction of the effect of amino acid changes on protein structure and function yielded predictions that this variant is damaging. Based on the available information, we are unable to determine the clinical significance of this variant.